The following is an entry in ClinVar:

NM_020719.3(PRR12):c.5443C>T (p.Pro1815Ser)

Gene: PRR12 (proline rich 12; plus strand). Cytogenetic location: 19q13.33.
Variant type: single nucleotide variant.
Coding change: c.5443C>T on transcript NM_020719.3 (MANE Select); coding-DNA position 5443, C replaced by T.
Protein change: p.Pro1815Ser; replaces proline 1815 with serine.
Molecular consequence: missense variant.
Genome position (GRCh38, 1-based): chr19:49,616,165, C>T. VCF-style: chr19-49616165-C-T. GRCh37 (hg19) VCF-style: chr19-50119422-C-T.
Other names: short protein forms P1815S.
Identifiers: ClinVar variation 4886112 (VCV004886112.2).

ClinVar aggregate classification (germline): Uncertain significance (1 of 4 stars; one submission).

Submission:

Dasa
Classification: Uncertain significance. Last evaluated: 2025-02-19. Review status: criteria provided, single submitter. Criteria: DASA Assertion Criteria. Collection method: clinical testing. Allele origin: germline.
Comment: NM_020719.3(PRR12):c.5443C>T (p.Pro1815Ser) is a missense variant that results in the substitution of proline with serine. This variant is rare in population databases. Computational prediction algorithms are consistent with a benign effect. The currently available literature and clinical evidence are not sufficient to establish a definitive association between this variant and the reported condition. Therefore, this variant is classified as a variant of uncertain significance.